The following is an entry in ClinVar:

NM_000540.3(RYR1):c.7810G>A (p.Glu2604Lys)

Gene: RYR1 (ryanodine receptor 1; plus strand). Cytogenetic location: 19q13.2.
Variant type: single nucleotide variant.
Coding change: c.7810G>A on transcript NM_000540.3 (MANE Select); coding-DNA position 7810, G replaced by A.
Protein change: p.Glu2604Lys; replaces glutamic acid 2604 with lysine.
Molecular consequence: missense variant.
Genome position (GRCh38, 1-based): chr19:38,502,702, G>A. VCF-style: chr19-38502702-G-A. GRCh37 (hg19) VCF-style: chr19-38993342-G-A.
Other names: c.7810G>A, p.Glu2604Lys (NM_001042723.2); short protein forms E2604K.
Identifiers: ClinVar variation 2906602 (VCV002906602.3), dbSNP rs780383832, ClinGen allele CA070323.
Genomic context (GRCh38, chr19:38,502,702, plus strand): 5'-CATACCGTGTACCGCCTGTCTCGGGGTCGTTCGCTCACCAAGGCGCAGCGTGACGTCATC[G>A]AGGACTGCCTCATGTCGCTCTGCAGGTGGAGCGGGGCAGGCTTCAGGGTGGGGCAGGGGC-3'
Protein context (NP_000531.2, residues 2594-2614): SLTKAQRDVI[Glu2604Lys]DCLMSLCRYI

ClinVar aggregate classification (germline): Uncertain significance. Review status: criteria provided, multiple submitters, no conflicts (2 of 4 stars). 3 submissions from 3 submitters: Uncertain significance (3). Last evaluated 2024-12-02.

Conditions:
RYR1-related disorder. Also called: RYR1-related condition; RYR1-related disorders. Identifiers: MedGen CN239331.
Malignant hyperthermia, susceptibility to, 1 (MHS1). Also called: Malignant hyperthermia suceptibility 1; Anesthesia related hyperthermia; Malignant hyperpyrexia; Fulminating hyperpyrexia; Pharmacogenic myopathy; RYR1-Related Malignant Hyperthermia Susceptibility. Identifiers: Orphanet 423, MedGen C2930980, MONDO:0007783, OMIM 145600.

Allele frequency attached by ClinVar (database versions not stated): TOPMed below 0.00001; ExAC 0.00001.
gnomAD v4.1: 6 of 1,604,254 alleles (0.00037%); highest among the groups gnomAD compares: East Asian, 0.0067%; no homozygotes.

Submissions (3):

Women's Health and Genetics/Laboratory Corporation of America, LabCorp
Classification: Uncertain significance. Last evaluated: 2024-12-02. Review status: criteria provided, single submitter. Criteria: LabCorp Variant Classification Summary - May 2015. Collection method: clinical testing. Allele origin: germline.
Comment: Variant summary: RYR1 c.7810G>A (p.Glu2604Lys) results in a conservative amino acid change in the encoded protein sequence. Three of five in-silico tools predict a damaging effect of the variant on protein function. The variant allele was found at a frequency of 1.2e-05 in 246908 control chromosomes. The available data on variant occurrences in the general population are insufficient to allow any conclusion about variant significance. c.7810G>A has been reported in the literature in at least one individual affected with left ventricular non-compaction without evidence of causality (e.g. Hirono_2020). This report does not provide unequivocal conclusions about association of the variant with Myopathy, RYR1-Associated. To our knowledge, no experimental evidence demonstrating an impact on protein function has been reported. ClinVar contains an entry for this variant (Variation ID: 2906602). Based on the evidence outlined above, the variant was classified as uncertain significance.

All of Us Research Program, National Institutes of Health
Classification: Uncertain significance for Malignant hyperthermia, susceptibility to, 1. Last evaluated: 2023-09-04. Review status: criteria provided, single submitter. Criteria: ACMG Guidelines, 2015. Collection method: clinical testing. Allele origin: germline. Inheritance: Autosomal dominant inheritance. Observed: 1 variant allele, 1 heterozygote.
Comment: This missense variant replaces glutamic acid with lysine at codon 2604 of the RYR1 protein. Computational prediction is inconclusive regarding the impact of this variant on protein structure and function (internally defined REVEL score threshold 0.5 < inconclusive < 0.7, PMID: 27666373). To our knowledge, functional studies have not been reported for this variant. This variant has not been reported in individuals affected with autosomal dominant malignant hyperthermia in the literature, although it has been reported in other phenotype(s) (PMID: 32600061). This variant has been identified in 3/246908 chromosomes in the general population by the Genome Aggregation Database (gnomAD). Due to insufficient evidence, this variant is classified as a Variant of Uncertain Significance for autosomal dominant malignant hyperthermia.

This study involves interpretation of variants in research participants for the purpose of population health screening. Participant phenotype was not available at the time of variant classification. Additional details can be found in publication PMID: 35346344, PMCID: PMC8962531

Labcorp Genetics (formerly Invitae), Labcorp
Classification: Uncertain significance for RYR1-related disorder. Last evaluated: 2023-04-28. Review status: criteria provided, single submitter. Criteria: Invitae Variant Classification Sherloc (09022015). Collection method: clinical testing. Allele origin: germline.
Comment: This variant has not been reported in the literature in individuals affected with RYR1-related conditions. In summary, the available evidence is currently insufficient to determine the role of this variant in disease. Therefore, it has been classified as a Variant of Uncertain Significance. Advanced modeling of protein sequence and biophysical properties (such as structural, functional, and spatial information, amino acid conservation, physicochemical variation, residue mobility, and thermodynamic stability) has been performed at Invitae for this missense variant, however the output from this modeling did not meet the statistical confidence thresholds required to predict the impact of this variant on RYR1 protein function. This variant is present in population databases (rs780383832, gnomAD 0.007%). This sequence change replaces glutamic acid, which is acidic and polar, with lysine, which is basic and polar, at codon 2604 of the RYR1 protein (p.Glu2604Lys).

Literature cited by the submitters: PubMed 32600061 (cited by Women's Health and Genetics/Laboratory Corporation of America, LabCorp and All of Us Research Program, National Institutes of Health).